The following is an entry in ClinVar:

NM_022124.6(CDH23):c.9430G>A (p.Ala3144Thr)

Gene: CDH23 (cadherin related 23; plus strand). Cytogenetic location: 10q22.1.
Variant type: single nucleotide variant.
Coding change: c.9430G>A on transcript NM_022124.6 (MANE Select); coding-DNA position 9430, G replaced by A.
Protein change: p.Ala3144Thr; replaces alanine 3144 with threonine.
Molecular consequence: missense variant.
Genome position (GRCh38, 1-based): chr10:71,812,529, G>A. VCF-style: chr10-71812529-G-A. GRCh37 (hg19) VCF-style: chr10-73572286-G-A.
Other names: c.2710G>A, p.Ala904Thr (NM_001171933.1, NM_001171934.1); c.121G>A, p.Ala41Thr (NM_001171935.1, NM_001171936.1); short protein forms A41T, A904T, A3144T.
Identifiers: ClinVar variation 967615 (VCV000967615.5), dbSNP rs779358121, ClinGen allele CA5547075.

ClinVar aggregate classification (germline): Conflicting classifications of pathogenicity. Review status: criteria provided, conflicting classifications (1 of 4 stars). 3 submissions from 3 submitters: Uncertain significance (1); Likely benign (1). 1 of the submissions does not count toward it. Last evaluated 2025-02-13.

Conditions:
Usher syndrome type 1 (USH1). Also called: RETINITIS PIGMENTOSA AND CONGENITAL DEAFNESS. Identifiers: Orphanet 231169, Orphanet 886, MedGen C1568247, MONDO:0010168, OMIM 276900.
Inborn genetic diseases. Identifiers: MedGen C0950123, MeSH D030342.

Allele frequency attached by ClinVar (database versions not stated): ExAC 0.00001; gnomAD 0.00002; gnomAD exomes 0.00002; TOPMed 0.00002.
gnomAD v4.1: 26 of 1,491,880 alleles (0.0017%); highest among the groups gnomAD compares: Middle Eastern, 0.037%; no homozygotes.

Submissions (3):

Ambry Genetics
Classification: Likely benign for Inborn genetic diseases. Last evaluated: 2025-02-13. Review status: criteria provided, single submitter. Criteria: Ambry Variant Classification Scheme 2023. Collection method: clinical testing. Allele origin: germline.

Labcorp Genetics (formerly Invitae), Labcorp
Classification: Uncertain significance. Last evaluated: 2022-09-01. Review status: criteria provided, single submitter. Criteria: Invitae Variant Classification Sherloc (09022015). Collection method: clinical testing. Allele origin: germline.
Comment: This sequence change replaces alanine, which is neutral and non-polar, with threonine, which is neutral and polar, at codon 3144 of the CDH23 protein (p.Ala3144Thr). This variant is present in population databases (rs779358121, gnomAD 0.03%). This variant has not been reported in the literature in individuals affected with CDH23-related conditions. ClinVar contains an entry for this variant (Variation ID: 967615). Algorithms developed to predict the effect of missense changes on protein structure and function output the following: SIFT: "Tolerated"; PolyPhen-2: "Not Available"; Align-GVGD: "Class C0". The threonine amino acid residue is found in multiple mammalian species, which suggests that this missense change does not adversely affect protein function. In summary, the available evidence is currently insufficient to determine the role of this variant in disease. Therefore, it has been classified as a Variant of Uncertain Significance.

Natera, Inc.
Classification: Uncertain significance for Usher syndrome type 1. Last evaluated: 2020-02-26. Review status: no assertion criteria provided. Collection method: clinical testing. Allele origin: germline. Not counted in ClinVar's aggregate classification.